The following continues an entry in ClinVar:

NM_004360.5(CDH1):c.1565+2dup

Gene: CDH1. ClinVar aggregate classification (germline): Pathogenic. Pathogenic (1).

Submissions 10 to 12 of 12:

Women's Health and Genetics/Laboratory Corporation of America, LabCorp
Classification: Pathogenic for Hereditary diffuse gastric adenocarcinoma. Last evaluated: 2021-10-05. Review status: criteria provided, single submitter. Criteria: LabCorp Variant Classification Summary - May 2015. Collection method: clinical testing. Allele origin: germline. Not counted in ClinVar's aggregate classification.
Comment: Variant summary: CDH1 c.1565+2dupT alters a conserved nucleotide located close to a canonical splice site and therefore could affect mRNA splicing, leading to a significantly altered protein sequence. Several computational tools predict a significant impact on normal splicing: Four predict the variant abolishes the canonical 5' splicing donor site. However, these predictions have yet to be confirmed by functional studies. The variant was absent in 251328 control chromosomes. c.1565+2dupT has been reported in the literature in multiple individuals affected with Hereditary Diffuse Gastric Cancer and Gastric Cancer (example, Rogers_2008, Kluijt_2011 and Nadauld_2014). These data strongly suggest variant is very likely to be associated with disease. To our knowledge, no experimental evidence demonstrating an impact on protein function has been reported. Three clinical diagnostic laboratories and an expert panel (ClinGen CDH1 Variant Curation Expert Panel) have submitted clinical-significance assessments for this variant to ClinVar after 2014 without evidence for independent evaluation. One laboratory have classified the variant as likely pathogenic while two laboratories and the expert panel have classified the variant as pathogenic. Based on the evidence outlined above, the variant was classified as pathogenic.

ARUP Laboratories, Molecular Genetics and Genomics, ARUP Laboratories
Classification: Pathogenic. Last evaluated: 2021-01-03. Review status: criteria provided, single submitter. Criteria: ARUP Molecular Germline Variant Investigation Process 2021. Collection method: clinical testing. Allele origin: germline. Not counted in ClinVar's aggregate classification.
Comment: The CDH1 c.1565+2dup; p.? variant (rs1555516200) is reported in the literature in at least five probands and multiple family members who were affected with diffuse gastric cancer (Benusiglio 2013, Kluijt 2012, Nadauld 2014, Rogers 2008, and van der Post 2015). This variant is also reported in ClinVar (Variation ID: 406624), but it is absent from general population databases (Exome Variant Server, Genome Aggregation Database), which indicates that it is not a common polymorphism. This is an intronic variant in a highly conserved nucleotide, and computational analyses (Alamut v.2.11) predict that this variant abolishes the canonical splice donor site. Based on the available information, this variant is considered to be pathogenic.

Color Diagnostics, LLC DBA Color Health
Classification: Likely pathogenic for Hereditary cancer-predisposing syndrome. Last evaluated: 2020-06-29. Review status: criteria provided, single submitter. Criteria: ACMG Guidelines, 2015. Collection method: clinical testing. Allele origin: germline. Not counted in ClinVar's aggregate classification.
Comment: This variant causes a single nucleotide insertion at the +3 position in the intron 10 splice acceptor site of the CDH1 gene. Splice site prediction tools predict that this variant may have a significant impact on RNA splicing. Although this prediction has not been confirmed in published RNA studies, this variant is expected to result in an absent or disrupted protein product. To our knowledge, functional studies have not been performed for this variant. This variant has been reported in multiple individuals affected with diffused gastric cancer (PMID: 18391748, 22020549, 23709761, 25315765, 26072394, 26182300). This variant has not been identified in the general population by the Genome Aggregation Database (gnomAD). Based on the available evidence, this variant is classified as Likely Pathogenic.

Literature cited by the submitters: PubMed 22020549 (cited by 6 submitters); PubMed 18391748 (cited by 6 submitters); PubMed 25315765 (cited by 6 submitters); PubMed 26072394 (cited by 4 submitters); PubMed 23709761 (cited by 3 submitters); PubMed 26182300 (cited by Clingen Gastric Cancer Variant Curation Expert Panel); PubMed 17576681 (cited by Labcorp Genetics (formerly Invitae), Labcorp); PubMed 9536098 (cited by Labcorp Genetics (formerly Invitae), Labcorp); PubMed 24389957 (cited by Ambry Genetics); PubMed 36436516 (cited by European Reference Network on Genetic Tumour Risk Syndromes (ERN-GENTURIS), i3s - Instituto de Investigação e Inovação em Saúde, University of Porto); PubMed 28688938 (cited by European Reference Network on Genetic Tumour Risk Syndromes (ERN-GENTURIS), i3s - Instituto de Investigação e Inovação em Saúde, University of Porto).